The following is an entry in ClinVar:

NM_001379286.1(ZNF423):c.2542G>A (p.Gly848Ser)

Gene: ZNF423 (zinc finger protein 423; minus strand). Cytogenetic location: 16q12.1.
Variant type: single nucleotide variant.
Coding change: c.2542G>A on transcript NM_001379286.1 (MANE Select); coding-DNA position 2542, G replaced by A.
Protein change: p.Gly848Ser; replaces glycine 848 with serine.
Molecular consequence: missense variant.
Genome position (GRCh38, 1-based): chr16:49,636,634, C>T on the plus strand (G>A on the coding strand, the complement: ZNF423 is on the minus strand). VCF-style: chr16-49636634-C-T. GRCh37 (hg19) VCF-style: chr16-49670545-C-T.
Other names: c.2338G>A, p.Gly780Ser (NM_001271620.2); c.2167G>A, p.Gly723Ser (NM_001330533.2); c.2518G>A, p.Gly840Ser (NM_015069.5); short protein forms G723S, G840S, G780S, G848S.
Identifiers: ClinVar variation 1485805 (VCV001485805.6), dbSNP rs772158477, ClinGen allele CA395842518.

ClinVar aggregate classification (germline): Uncertain significance (1 of 4 stars; one submission).

Conditions:
Nephronophthisis 14 (NPHP14). Identifiers: Orphanet 2318, MedGen C3539071, MONDO:0013916, OMIM 614844.

gnomAD v4.1: 8 of 1,614,024 alleles (0.0005%); highest among the groups gnomAD compares: South Asian, 0.0022%; no homozygotes.

Submission:

Labcorp Genetics (formerly Invitae), Labcorp
Classification: Uncertain significance for Nephronophthisis 14. Last evaluated: 2022-07-05. Review status: criteria provided, single submitter. Criteria: Invitae Variant Classification Sherloc (09022015). Collection method: clinical testing. Allele origin: germline.
Comment: In summary, the available evidence is currently insufficient to determine the role of this variant in disease. Therefore, it has been classified as a Variant of Uncertain Significance. Algorithms developed to predict the effect of missense changes on protein structure and function are either unavailable or do not agree on the potential impact of this missense change (SIFT: "Tolerated"; PolyPhen-2: "Possibly Damaging"; Align-GVGD: "Class C0"). ClinVar contains an entry for this variant (Variation ID: 1485805). This variant has not been reported in the literature in individuals affected with ZNF423-related conditions. This variant is present in population databases (no rsID available, gnomAD 0.003%). This sequence change replaces glycine, which is neutral and non-polar, with serine, which is neutral and polar, at codon 840 of the ZNF423 protein (p.Gly840Ser).